The following is an entry in ClinVar:

NM_001830.4(CLCN4):c.652G>A (p.Gly218Ser)

Gene: CLCN4 (Cl-/H+ antiporter 4; plus strand). Cytogenetic location: Xp22.2.
Variant type: single nucleotide variant.
Coding change: c.652G>A on transcript NM_001830.4 (MANE Select); coding-DNA position 652, G replaced by A.
Protein change: p.Gly218Ser; replaces glycine 218 with serine.
Molecular consequence: missense variant.
Genome position (GRCh38, 1-based): chrX:10,206,454, G>A. VCF-style: chrX-10206454-G-A. GRCh37 (hg19) VCF-style: chrX-10174494-G-A.
Other names: c.370G>A, p.Gly124Ser (NM_001256944.2); short protein forms G124S, G218S.
Identifiers: ClinVar variation 1219913 (VCV001219913.13), dbSNP rs767349582, ClinGen allele CA326600776.

ClinVar aggregate classification (germline): Uncertain significance. Review status: criteria provided, multiple submitters, no conflicts (2 of 4 stars). 4 submissions from 4 submitters: Uncertain significance (4). Last evaluated 2025-09-24.

Conditions:
Inborn genetic diseases. Identifiers: MedGen C0950123, MeSH D030342.
Intellectual disability, X-linked 49 (MRXSRC). Also called: MRX49; CLCN4-Related Neurodevelopmental Disorder; CLCN4-related X-linked intellectual disability syndrome; RAYNAUD-CLAES SYNDROME; MENTAL RETARDATION, X-LINKED 15. Identifiers: Orphanet 485350, Orphanet 777, MedGen C0796221, MONDO:0010250, OMIM 300114.

Allele frequency attached by ClinVar (database versions not stated): gnomAD exomes 0.00001; gnomAD 0.00002; TOPMed 0.00002.

Submissions (4):

Ambry Genetics
Classification: Uncertain significance for Inborn genetic diseases. Last evaluated: 2025-09-24. Review status: criteria provided, single submitter. Criteria: Ambry Variant Classification Scheme 2023. Collection method: clinical testing. Allele origin: germline.
Comment: The c.652G>A (p.G218S) alteration is located in exon 7 (coding exon 5) of the CLCN4 gene. This alteration results from a G to A substitution at nucleotide position 652, causing the glycine (G) at amino acid position 218 to be replaced by a serine (S). Based on data from gnomAD, the A allele has an overall frequency of <0.001% (1/202212) total alleles studied. The highest observed frequency was 0.005% (1/18835) of African alleles. Based on insufficient or conflicting evidence, the clinical significance of this alteration remains unclear.

Labcorp Genetics (formerly Invitae), Labcorp
Classification: Uncertain significance. Last evaluated: 2025-06-13. Review status: criteria provided, single submitter. Criteria: Invitae Variant Classification Sherloc (09022015). Collection method: clinical testing. Allele origin: germline.
Comment: This sequence change replaces glycine, which is neutral and non-polar, with serine, which is neutral and polar, at codon 218 of the CLCN4 protein (p.Gly218Ser). The frequency data for this variant in the population databases is considered unreliable, as metrics indicate poor data quality at this position in the gnomAD database. This missense change has been observed in individual(s) with clinical features of CLCN4-related conditions (internal data). ClinVar contains an entry for this variant (Variation ID: 1219913). Invitae Evidence Modeling of protein sequence and biophysical properties (such as structural, functional, and spatial information, amino acid conservation, physicochemical variation, residue mobility, and thermodynamic stability) indicates that this missense variant is expected to disrupt CLCN4 protein function with a positive predictive value of 80%. In summary, the available evidence is currently insufficient to determine the role of this variant in disease. Therefore, it has been classified as a Variant of Uncertain Significance.

GeneDx
Classification: Uncertain significance. Last evaluated: 2023-08-03. Review status: criteria provided, single submitter. Criteria: GeneDx Variant Classification Process June 2021. Collection method: clinical testing. Allele origin: germline. Affected: yes.
Comment: In silico analysis supports that this missense variant has a deleterious effect on protein structure/function; Has not been previously published as pathogenic or benign to our knowledge

Revvity Omics, Revvity
Classification: Uncertain significance for Intellectual disability, X-linked 49. Last evaluated: 2019-05-03. Review status: criteria provided, single submitter. Criteria: ACMG Guidelines, 2015. Collection method: clinical testing. Allele origin: germline.